The following is an entry in ClinVar:

ClinVar aggregate classification (germline): Uncertain significance. Review status: criteria provided, multiple submitters, no conflicts (2 of 4 stars). 2 submissions from 2 submitters: Uncertain significance (2). Last evaluated 2025-03-10.

Conditions:
Cardiovascular phenotype. Identifiers: MedGen CN230736.
RASopathy. Also called: rasopathies; Noonan spectrum disorder. Identifiers: Orphanet 536391, MedGen C5555857, MONDO:0021060.

Submissions (2):

Labcorp Genetics (formerly Invitae), Labcorp
Classification: Uncertain significance for RASopathy. Last evaluated: 2025-03-10. Review status: criteria provided, single submitter. Criteria: Invitae Variant Classification Sherloc (09022015). Collection method: clinical testing. Allele origin: germline.
Comment: This sequence change replaces proline, which is neutral and non-polar, with leucine, which is neutral and non-polar, at codon 48 of the CBL protein (p.Pro48Leu). This variant is not present in population databases (gnomAD no frequency). This variant has not been reported in the literature in individuals affected with CBL-related conditions. ClinVar contains an entry for this variant (Variation ID: 2062901). Invitae Evidence Modeling of protein sequence and biophysical properties (such as structural, functional, and spatial information, amino acid conservation, physicochemical variation, residue mobility, and thermodynamic stability) indicates that this missense variant is not expected to disrupt CBL protein function with a negative predictive value of 95%. In summary, the available evidence is currently insufficient to determine the role of this variant in disease. Therefore, it has been classified as a Variant of Uncertain Significance.

Ambry Genetics
Classification: Uncertain significance for Cardiovascular phenotype. Last evaluated: 2023-10-05. Review status: criteria provided, single submitter. Criteria: Ambry Variant Classification Scheme 2023. Collection method: clinical testing. Allele origin: germline.
Comment: The p.P48L variant (also known as c.143C>T), located in coding exon 1 of the CBL gene, results from a C to T substitution at nucleotide position 143. The proline at codon 48 is replaced by leucine, an amino acid with similar properties. This amino acid position is conserved. In addition, the in silico prediction for this alteration is inconclusive. Since supporting evidence is limited at this time, the clinical significance of this alteration remains unclear.

NM_005188.4(CBL):c.143C>T (p.Pro48Leu)

Genes: CBL (Cbl proto-oncogene; plus strand), LOC130006895 (ATAC-STARR-seq lymphoblastoid silent region 3975; plus strand). Cytogenetic location: 11q23.3.
Variant type: single nucleotide variant.
Coding change: c.143C>T on transcript NM_005188.4 (MANE Select); coding-DNA position 143, C replaced by T.
Protein change: p.Pro48Leu; replaces proline 48 with leucine.
Molecular consequence: missense variant.
Genome position (GRCh38, 1-based): chr11:119,206,560, C>T. VCF-style: chr11-119206560-C-T. GRCh37 (hg19) VCF-style: chr11-119077270-C-T.
Other names: c.143C>T (NM_005188.2); short protein forms P48L.
Identifiers: ClinVar variation 2062901 (VCV002062901.5), dbSNP rs2496819633, ClinGen allele CA382976378.